The following is an entry in ClinVar:

NM_004415.4(DSP):c.540G>C (p.Trp180Cys)

Gene: DSP (desmoplakin; plus strand). Cytogenetic location: 6p24.3.
Variant type: single nucleotide variant.
Coding change: c.540G>C on transcript NM_004415.4 (MANE Select); coding-DNA position 540, G replaced by C.
Protein change: p.Trp180Cys; replaces tryptophan 180 with cysteine.
Molecular consequence: missense variant.
Genome position (GRCh38, 1-based): chr6:7,559,343, G>C. VCF-style: chr6-7559343-G-C. GRCh37 (hg19) VCF-style: chr6-7559576-G-C.
Other names: c.540G>C, p.Trp180Cys (NM_001008844.3, NM_001319034.2, NM_001406591.1); short protein forms W180C.
Identifiers: ClinVar variation 2453271 (VCV002453271.3), dbSNP rs772451643, ClinGen allele CA044975.

ClinVar aggregate classification (germline): Uncertain significance. Review status: criteria provided, multiple submitters, no conflicts (2 of 4 stars). 2 submissions from 2 submitters: Uncertain significance (2). Last evaluated 2025-05-23.

Conditions:
Cardiovascular phenotype. Identifiers: MedGen CN230736.

Allele frequency attached by ClinVar (database versions not stated): ExAC 0.00001.
gnomAD v4.1: 8 of 1,613,616 alleles (0.0005%); highest among the groups gnomAD compares: Non-Finnish European, 0.00059%; no homozygotes.

Submissions (2):

GeneDx
Classification: Uncertain significance. Last evaluated: 2025-05-23. Review status: criteria provided, single submitter. Criteria: GeneDx Variant Classification Process June 2021. Collection method: clinical testing. Allele origin: germline. Affected: yes.
Comment: Not observed at significant frequency in large population cohorts (gnomAD); In silico analysis supports that this missense variant has a deleterious effect on protein structure/function; Has not been previously published as pathogenic or benign to our knowledge

Ambry Genetics
Classification: Uncertain significance for Cardiovascular phenotype. Last evaluated: 2023-02-28. Review status: criteria provided, single submitter. Criteria: Ambry Variant Classification Scheme 2023. Collection method: clinical testing. Allele origin: germline.
Comment: The p.W180C variant (also known as c.540G>C), located in coding exon 4 of the DSP gene, results from a G to C substitution at nucleotide position 540. The tryptophan at codon 180 is replaced by cysteine, an amino acid with highly dissimilar properties. This amino acid position is conserved. In addition, the in silico prediction for this alteration is inconclusive. Since supporting evidence is limited at this time, the clinical significance of this alteration remains unclear.